The following is an entry in ClinVar:

ClinVar aggregate classification (germline): Conflicting classifications of pathogenicity. Review status: criteria provided, conflicting classifications (1 of 4 stars). 4 submissions from 4 submitters: Pathogenic (1); Uncertain significance (3). Last evaluated 2022-10-13.

Conditions:
Usher syndrome type 2. Also called: Usher Syndrome Type II. Identifiers: Orphanet 231178, MedGen C0339534, MONDO:0016484.

Submissions (4):

Labcorp Genetics (formerly Invitae), Labcorp
Classification: Uncertain significance. Last evaluated: 2022-10-13. Review status: criteria provided, single submitter. Criteria: Invitae Variant Classification Sherloc (09022015). Collection method: clinical testing. Allele origin: germline.
Comment: Algorithms developed to predict the effect of sequence changes on RNA splicing suggest that this variant may disrupt the consensus splice site. In summary, the available evidence is currently insufficient to determine the role of this variant in disease. Therefore, it has been classified as a Variant of Uncertain Significance. Advanced modeling of protein sequence and biophysical properties (such as structural, functional, and spatial information, amino acid conservation, physicochemical variation, residue mobility, and thermodynamic stability) has been performed at Invitae for this missense variant, however the output from this modeling did not meet the statistical confidence thresholds required to predict the impact of this variant on USH2A protein function. ClinVar contains an entry for this variant (Variation ID: 444205). This missense change has been observed in individual(s) with inherited retinal dystrophy (Invitae). This variant is not present in population databases (gnomAD no frequency). This sequence change replaces serine, which is neutral and polar, with arginine, which is basic and polar, at codon 1455 of the USH2A protein (p.Ser1455Arg).

Blueprint Genetics
Classification: Uncertain significance. Last evaluated: 2021-09-06. Review status: criteria provided, single submitter. Criteria: ACMG Guidelines, 2015. Collection method: clinical testing. Allele origin: germline.

Molecular Genetics Laboratory, Institute for Ophthalmic Research
Classification: Pathogenic for Usher syndrome type 2. Last evaluated: 2020-01-09. Review status: criteria provided, single submitter. Criteria: ACMG Guidelines, 2015. Collection method: research. Allele origin: germline. Affected: yes.

CeGaT Center for Human Genetics Tuebingen
Classification: Uncertain significance. Last evaluated: 2017-07-01. Review status: criteria provided, single submitter. Criteria: CeGaT Center For Human Genetics Tuebingen Variant Classification Criteria Version 2. Collection method: clinical testing. Allele origin: germline. Affected: yes. Observed: 1 variant allele.

NM_206933.4(USH2A):c.4365T>G (p.Ser1455Arg)

Gene: USH2A (usherin; minus strand). Cytogenetic location: 1q41.
Variant type: single nucleotide variant.
Coding change: c.4365T>G on transcript NM_206933.4 (MANE Select); coding-DNA position 4365, T replaced by G.
Protein change: p.Ser1455Arg; replaces serine 1455 with arginine.
Molecular consequence: missense variant.
Genome position (GRCh38, 1-based): chr1:216,190,254, A>C on the plus strand (T>G on the coding strand, the complement: USH2A is on the minus strand). VCF-style: chr1-216190254-A-C. GRCh37 (hg19) VCF-style: chr1-216363596-A-C.
Other names: c.4365T>G, p.Ser1455Arg (NM_007123.6); short protein forms S1455R.
Identifiers: ClinVar variation 444205 (VCV000444205.51), dbSNP rs1553312493, ClinGen allele CA344865155.